The following is an entry in ClinVar:

NM_006277.3(ITSN2):c.3455A>G (p.Gln1152Arg)

Gene: ITSN2 (intersectin 2; minus strand). Cytogenetic location: 2p23.3.
Variant type: single nucleotide variant.
Coding change: c.3455A>G on transcript NM_006277.3 (MANE Select); coding-DNA position 3455, A replaced by G.
Protein change: p.Gln1152Arg; replaces glutamine 1152 with arginine.
Molecular consequence: missense variant.
Genome position (GRCh38, 1-based): chr2:24,246,251, T>C on the plus strand (A>G on the coding strand, the complement: ITSN2 is on the minus strand). VCF-style: chr2-24246251-T-C. GRCh37 (hg19) VCF-style: chr2-24469120-T-C.
Other names: c.3413A>G, p.Gln1138Arg (NM_001348181.2); c.3335A>G, p.Gln1112Arg (NM_001348182.2, NM_001348186.2); c.3374A>G, p.Gln1125Arg (NM_001348183.2, NM_019595.4); c.3332A>G, p.Gln1111Arg (NM_001348184.2); c.3416A>G, p.Gln1139Arg (NM_001348185.2); c.3455A>G, p.Gln1152Arg (NM_147152.3); short protein forms Q1111R, Q1112R, Q1125R, Q1138R, Q1139R, Q1152R.
Identifiers: ClinVar variation 2631420 (VCV002631420.1), dbSNP rs765369357, ClinGen allele CA346016295.
Genomic context (GRCh38, chr2:24,246,251, plus strand): 5'-ACCCCGTTGATCTCTCCTTGCCACCAATCAGGATCATCTTTGTTCATAACATTAATGAGT[T>C]GTCCCTTGGAGAAACTGAGCTCATCTTCATTATTTGCTGCATAGTCATACATAGCAATCA-3'
Protein context (NP_006268.2, residues 1142-1162): NEDELSFSKG[Gln1152Arg]LINVMNKDDP

ClinVar aggregate classification (germline): Uncertain significance (1 of 4 stars; one submission).

Conditions:
ITSN2-related disorder. Also called: ITSN2-related condition.

Submission:

PreventionGenetics, part of Exact Sciences
Classification: Uncertain significance for ITSN2-related condition. Last evaluated: 2023-07-31. Review status: criteria provided, single submitter. Criteria: ACMG Guidelines, 2015. Collection method: clinical testing. Allele origin: germline.
Comment: The ITSN2 c.3455A>G variant is predicted to result in the amino acid substitution p.Gln1152Arg. To our knowledge, this variant has not been reported in the literature or in a large population database, indicating this variant is rare. At this time, the clinical significance of this variant is uncertain due to the absence of conclusive functional and genetic evidence.